The following is an entry in ClinVar:

ClinVar aggregate classification (germline): Likely benign (1 of 4 stars; one submission).

Conditions:
CLCN3-related disorder. Also called: CLCN3-related condition.

gnomAD v4.1: 3 of 1,613,320 alleles (0.00019%); highest among the groups gnomAD compares: Non-Finnish European, 0.00025%; no homozygotes.

Submission:

PreventionGenetics, part of Exact Sciences
Classification: Likely benign for CLCN3-related condition. Last evaluated: 2025-02-27. Review status: criteria provided, single submitter. Criteria: ACMG Guidelines, 2015. Collection method: clinical testing. Allele origin: germline.
Comment: This variant is classified as likely benign based on ACMG/AMP sequence variant interpretation guidelines (Richards et al. 2015 PMID: 25741868, with internal and published modifications).

NM_001829.4(CLCN3):c.897C>T (p.Leu299=)

Gene: CLCN3 (Cl-/H+ antiporter 3; plus strand). Cytogenetic location: 4q33.
Variant type: single nucleotide variant.
Coding change: c.897C>T on transcript NM_001829.4 (MANE Select); coding-DNA position 897, C replaced by T.
Protein change: p.Leu299=; no amino-acid change (leucine 299 retained).
Molecular consequence: synonymous variant.
Genome position (GRCh38, 1-based): chr4:169,692,281, C>T. VCF-style: chr4-169692281-C-T. GRCh37 (hg19) VCF-style: chr4-170613432-C-T.
Other names: c.897C>T, p.Leu299= (NM_001243372.2, NM_173872.4); c.816C>T, p.Leu272= (NM_001243374.2).
Identifiers: ClinVar variation 4998041 (VCV004998041.1).